The following is an entry in ClinVar:

ClinVar aggregate classification (germline): Uncertain significance (1 of 4 stars; one submission).

Submission:

Labcorp Genetics (formerly Invitae), Labcorp
Classification: Uncertain significance. Last evaluated: 2023-08-10. Review status: criteria provided, single submitter. Criteria: Invitae Variant Classification Sherloc (09022015). Collection method: clinical testing. Allele origin: germline.
Comment: In summary, the available evidence is currently insufficient to determine the role of this variant in disease. Therefore, it has been classified as a Variant of Uncertain Significance. This sequence change creates a premature translational stop signal (p.Gln217*) in the SLC10A2 gene. It is expected to result in an absent or disrupted protein product. However, the current clinical and genetic evidence is not sufficient to establish whether loss-of-function variants in SLC10A2 cause disease. This variant is not present in population databases (gnomAD no frequency). This variant has not been reported in the literature in individuals affected with SLC10A2-related conditions.

NM_000452.3(SLC10A2):c.649C>T (p.Gln217Ter)

Gene: SLC10A2 (solute carrier family 10 member 2; minus strand). Cytogenetic location: 13q33.1.
Variant type: single nucleotide variant.
Coding change: c.649C>T on transcript NM_000452.3 (MANE Select); coding-DNA position 649, C replaced by T.
Protein change: p.Gln217Ter; replaces glutamine 217 with a stop codon.
Molecular consequence: nonsense.
Genome position (GRCh38, 1-based): chr13:103,051,369, G>A on the plus strand (C>T on the coding strand, the complement: SLC10A2 is on the minus strand). VCF-style: chr13-103051369-G-A. GRCh37 (hg19) VCF-style: chr13-103703719-G-A.
Other names: short protein forms Q217*.
Identifiers: ClinVar variation 2749596 (VCV002749596.3), dbSNP rs1875775051, ClinGen allele CA388606213.
Genomic context (GRCh38, chr13:103,051,369, plus strand): 5'-CCGCCACAGGAAATATTGTTCCTATAATCCACAGTTTGGGAGCAATGATCCAGGCGCTTT[G>A]GTACAATATTCCTCCAACCACAGCTATGAGCACAATGAGGATGGCGCCCGCGATGGACCC-3'